The following is an entry in ClinVar:

ClinVar aggregate classification (germline): Uncertain significance (1 of 4 stars; one submission).

Conditions:
Ullrich congenital muscular dystrophy 2 (UCMD2). Identifiers: Orphanet 75840, MedGen C4225314, MONDO:0014654, OMIM 616470.
Bethlem myopathy 2 (BTHLM2). Identifiers: Orphanet 536516, Orphanet 610, MedGen C4225313, MONDO:0034022, OMIM 616471.

Submission:

Labcorp Genetics (formerly Invitae), Labcorp
Classification: Uncertain significance for Bethlem myopathy 2; Ullrich congenital muscular dystrophy 2. Last evaluated: 2025-03-02. Review status: criteria provided, single submitter. Criteria: Invitae Variant Classification Sherloc (09022015). Collection method: clinical testing. Allele origin: germline.
Comment: This sequence change replaces valine, which is neutral and non-polar, with leucine, which is neutral and non-polar, at codon 2073 of the COL12A1 protein (p.Val2073Leu). This variant is not present in population databases (gnomAD no frequency). This variant has not been reported in the literature in individuals affected with COL12A1-related conditions. Invitae Evidence Modeling of protein sequence and biophysical properties (such as structural, functional, and spatial information, amino acid conservation, physicochemical variation, residue mobility, and thermodynamic stability) has been performed for this missense variant. However, the output from this modeling did not meet the statistical confidence thresholds required to predict the impact of this variant on COL12A1 protein function. In summary, the available evidence is currently insufficient to determine the role of this variant in disease. Therefore, it has been classified as a Variant of Uncertain Significance.

NM_004370.6(COL12A1):c.6217G>C (p.Val2073Leu)

Gene: COL12A1 (collagen type XII alpha 1 chain; minus strand). Cytogenetic location: 6q13.
Variant type: single nucleotide variant.
Coding change: c.6217G>C on transcript NM_004370.6 (MANE Select); coding-DNA position 6217, G replaced by C.
Protein change: p.Val2073Leu; replaces valine 2073 with leucine.
Molecular consequence: missense variant.
Genome position (GRCh38, 1-based): chr6:75,128,419, C>G on the plus strand (G>C on the coding strand, the complement: COL12A1 is on the minus strand). VCF-style: chr6-75128419-C-G. GRCh37 (hg19) VCF-style: chr6-75838135-C-G.
Other names: c.6217G>C, p.Val2073Leu (NM_001424113.1); c.6196G>C, p.Val2066Leu (NM_001424114.1); c.5944G>C, p.Val1982Leu (NM_001424115.1); c.2725G>C, p.Val909Leu (NM_001424116.1, NM_080645.3); short protein forms V1982L, V2073L, V2066L, V909L.
Identifiers: ClinVar variation 4794275 (VCV004794275.1).